The following is an entry in ClinVar:

ClinVar aggregate classification (germline): Uncertain significance (1 of 4 stars; one submission).

Allele frequency attached by ClinVar (database versions not stated): TOPMed below 0.00001; gnomAD 0.00001.

Submission:

Labcorp Genetics (formerly Invitae), Labcorp
Classification: Uncertain significance. Last evaluated: 2022-10-30. Review status: criteria provided, single submitter. Criteria: Invitae Variant Classification Sherloc (09022015). Collection method: clinical testing. Allele origin: germline.
Comment: In summary, the available evidence is currently insufficient to determine the role of this variant in disease. Therefore, it has been classified as a Variant of Uncertain Significance. Advanced modeling of protein sequence and biophysical properties (such as structural, functional, and spatial information, amino acid conservation, physicochemical variation, residue mobility, and thermodynamic stability) performed at Invitae indicates that this missense variant is not expected to disrupt HEPACAM protein function. This variant has not been reported in the literature in individuals affected with HEPACAM-related conditions. This variant is not present in population databases (gnomAD no frequency). This sequence change replaces glutamic acid, which is acidic and polar, with glycine, which is neutral and non-polar, at codon 328 of the HEPACAM protein (p.Glu328Gly).

NM_152722.5(HEPACAM):c.983A>G (p.Glu328Gly)

Gene: HEPACAM (hepatic and glial cell adhesion molecule; minus strand). Cytogenetic location: 11q24.2.
Variant type: single nucleotide variant.
Coding change: c.983A>G on transcript NM_152722.5 (MANE Select); coding-DNA position 983, A replaced by G.
Protein change: p.Glu328Gly; replaces glutamic acid 328 with glycine.
Molecular consequence: missense variant.
Genome position (GRCh38, 1-based): chr11:124,921,406, T>C on the plus strand (A>G on the coding strand, the complement: HEPACAM is on the minus strand). VCF-style: chr11-124921406-T-C. GRCh37 (hg19) VCF-style: chr11-124791302-T-C.
Other names: c.1139A>G, p.Glu380Gly (NM_001411043.1); short protein forms E328G, E380G.
Identifiers: ClinVar variation 2957996 (VCV002957996.3), dbSNP rs1291110230, ClinGen allele CA383137997.